The following is an entry in ClinVar:

ClinVar aggregate classification (germline): Conflicting classifications of pathogenicity. Review status: criteria provided, conflicting classifications (1 of 4 stars). 3 submissions from 3 submitters: Likely pathogenic (1); Uncertain significance (2). Last evaluated 2026-06-22.

Conditions:
RPE65-related disorder. Also called: RPE65-related disorders; RPE65-related condition. Identifiers: MedGen CN239301.
Retinitis pigmentosa 20 (RP20). Identifiers: Orphanet 791, MedGen C3151086, MONDO:0013425, OMIM 613794.
Leber congenital amaurosis 2 (LCA2). Also called: Autosomal Recessive RPE65-Related Retinal Degeneration; AMAUROSIS CONGENITA OF LEBER II. Identifiers: Orphanet 65, MedGen C1859844, MONDO:0008765, OMIM 204100. Disease mechanism: loss of function.
Leber congenital amaurosis (LCA). Also called: Leber's amaurosis. Identifiers: Orphanet 65, MedGen C0339527, MeSH D057130, MONDO:0018998.

Allele frequency attached by ClinVar (database versions not stated): ExAC 0.00002; gnomAD exomes 0.00002.
gnomAD v4.1: 24 of 1,612,976 alleles (0.0015%); highest among the groups gnomAD compares: Admixed American, 0.01%; no homozygotes.

Submissions (3):

Women's Health and Genetics/Laboratory Corporation of America, LabCorp
Classification: Likely pathogenic for Leber congenital amaurosis. Last evaluated: 2026-06-22. Review status: criteria provided, single submitter. Criteria: LabCorp Variant Classification Summary - May 2015. Collection method: clinical testing. Allele origin: germline.
Comment: Variant summary: RPE65 c.726-3C>A alters a conserved nucleotide located close to a canonical splice site and therefore could affect mRNA splicing, leading to a significantly altered protein sequence. Computational tools predict a significant impact on normal splicing: Two predict the variant abolishes a canonical 3' acceptor site and one predicts the variant weakens this site. At least one publication reports experimental evidence that this variant affects mRNA splicing, resulting in exon skipping (Panneman_2025). The variant allele was found at a frequency of 3.2e-05 in 249328 control chromosomes (gnomAD). c.726-3C>A has been observed in a heterozygous individual affected with retinitis pigmentosa without a second variant found (Gonzalez-del Pozo_2011). This report does not provide unequivocal conclusions about association of the variant with disease. The following publications have been ascertained in the context of this evaluation (PMID: 22164218, 41009968). ClinVar contains an entry for this variant (Variation ID: 2202768). Based on the evidence outlined above, the variant was classified as likely pathogenic.

PreventionGenetics, part of Exact Sciences
Classification: Uncertain significance for RPE65-related condition. Last evaluated: 2025-10-02. Review status: criteria provided, single submitter. Criteria: ACMG Guidelines, 2015. Collection method: clinical testing. Allele origin: germline.
Comment: The RPE65 c.726-3C>A variant is predicted to interfere with splicing. This variant is predicted to decrease the strength of the nearby canonical splice acceptor site (SpliceAI, Jaganathan et al. 2019. PubMed ID: 30661751). This variant has been reported in a cohort study of retinitis pigmentosa (Gonzalez-del Pozo et al. 2011. PubMed ID: 22164218). This variant is present in 0.014% of alleles in individuals of Latino descent in gnomAD. At this time, the clinical significance of this variant is uncertain due to the absence of conclusive functional and genetic evidence.

Labcorp Genetics (formerly Invitae), Labcorp
Classification: Uncertain significance for Leber congenital amaurosis 2; Retinitis pigmentosa 20. Last evaluated: 2022-10-24. Review status: criteria provided, single submitter. Criteria: Invitae Variant Classification Sherloc (09022015). Collection method: clinical testing. Allele origin: germline.
Comment: This sequence change falls in intron 7 of the RPE65 gene. It does not directly change the encoded amino acid sequence of the RPE65 protein. It affects a nucleotide within the consensus splice site. This variant is present in population databases (rs763658561, gnomAD 0.02%). This variant has been observed in individual(s) with retinitis pigmentosa (PMID: 22164218). Variants that disrupt the consensus splice site are a relatively common cause of aberrant splicing (PMID: 17576681, 9536098). Algorithms developed to predict the effect of sequence changes on RNA splicing suggest that this variant may disrupt the consensus splice site. In summary, the available evidence is currently insufficient to determine the role of this variant in disease. Therefore, it has been classified as a Variant of Uncertain Significance.

Literature cited by the submitters: PubMed 22164218 (cited by Women's Health and Genetics/Laboratory Corporation of America, LabCorp and Labcorp Genetics (formerly Invitae), Labcorp); PubMed 41009968 (cited by Women's Health and Genetics/Laboratory Corporation of America, LabCorp); PubMed 17576681 (cited by Labcorp Genetics (formerly Invitae), Labcorp); PubMed 9536098 (cited by Labcorp Genetics (formerly Invitae), Labcorp).

NM_000329.3(RPE65):c.726-3C>A

Gene: RPE65 (retinoid isomerohydrolase RPE65; minus strand). Cytogenetic location: 1p31.3.
Variant type: single nucleotide variant.
Coding change: c.726-3C>A on transcript NM_000329.3 (MANE Select); 3 bases into the intron before coding-DNA position 726, C replaced by A.
Molecular consequence: intron variant.
Genome position (GRCh38, 1-based): chr1:68,439,326, G>T on the plus strand (C>A on the coding strand, the complement: RPE65 is on the minus strand). VCF-style: chr1-68439326-G-T. GRCh37 (hg19) VCF-style: chr1-68905009-G-T.
Other names: c.726-3C>A (NM_000329.2).
Identifiers: ClinVar variation 2202768 (VCV002202768.3), dbSNP rs763658561, ClinGen allele CA902406.